The following is an entry in ClinVar:

ClinVar aggregate classification (germline): Conflicting classifications of pathogenicity. Review status: criteria provided, conflicting classifications (1 of 4 stars). 4 submissions from 4 submitters: Likely pathogenic (2); Uncertain significance (2). Last evaluated 2025-09-12.

Conditions:
Malignant hyperthermia, susceptibility to, 1 (MHS1). Also called: Anesthesia related hyperthermia; Malignant hyperpyrexia; Fulminating hyperpyrexia; Pharmacogenic myopathy; Malignant hyperthermia suceptibility 1; RYR1-Related Malignant Hyperthermia Susceptibility. Identifiers: Orphanet 423, MedGen C2930980, MONDO:0007783, OMIM 145600.
Centronuclear myopathy (CNM). Also called: Myotubular myopathy; Centronuclear myopathy, congenital. Identifiers: Orphanet 595, MedGen C0175709, MONDO:0018947. Inheritance: All.

Allele frequency attached by ClinVar (database versions not stated): gnomAD exomes below 0.00001 and 0.00001; TOPMed below 0.00001; ExAC 0.00003.
gnomAD v4.1: 5 of 1,613,432 alleles (0.00031%); highest among the groups gnomAD compares: East Asian, 0.0022%; no homozygotes.

Submissions (4):

Color Diagnostics, LLC DBA Color Health
Classification: Uncertain significance for Malignant hyperthermia, susceptibility to, 1. Last evaluated: 2025-09-12. Review status: criteria provided, single submitter. Criteria: ACMG Guidelines, 2015. Collection method: clinical testing. Allele origin: germline.
Comment: This missense variant replaces valine with methionine at codon 2275 of the RYR1 protein. Computational prediction suggests that this variant may have deleterious impact on protein structure and function. Although functional studies have not been reported for this variant, it occurs in a region of the RYR1 protein that is considered to be a hotspot for pathogenic variants that contribute to malignant hyperthermia susceptibility (PMID: 21118704). This variant has not been reported in individuals affected with autosomal dominant malignant hyperthermia in the literature, although it is associated with other phenotype(s) (ClinVar variation ID: 870623). This variant has been identified in 3/249608 chromosomes in the general population by the Genome Aggregation Database (gnomAD). Due to insufficient evidence, this variant is classified as a Variant of Uncertain Significance for autosomal dominant malignant hyperthermia.

GeneDx
Classification: Likely pathogenic. Last evaluated: 2024-06-05. Review status: criteria provided, single submitter. Criteria: GeneDx Variant Classification Process June 2021. Collection method: clinical testing. Allele origin: germline. Affected: yes.
Comment: In silico analysis supports that this missense variant has a deleterious effect on protein structure/function; Not observed at significant frequency in large population cohorts (gnomAD); This variant is associated with the following publications: (PMID: 35693006, 35081925, 12668474, 33767344)

Revvity Omics, Revvity
Classification: Uncertain significance. Last evaluated: 2024-03-19. Review status: criteria provided, single submitter. Criteria: ACMG Guidelines, 2015. Collection method: clinical testing. Allele origin: germline.

Pediatric Department, Peking University First Hospital
Classification: Likely pathogenic for Centronuclear myopathy. Last evaluated: 2020-04-11. Review status: criteria provided, single submitter. Criteria: ACMG Guidelines, 2015. Collection method: provider interpretation. Allele origin: maternal. Affected: yes.

Literature cited by the submitters: PubMed 21118704 (cited by Color Diagnostics, LLC DBA Color Health).

NM_000540.3(RYR1):c.6823G>A (p.Val2275Met)

Gene: RYR1 (ryanodine receptor 1; plus strand). Cytogenetic location: 19q13.2.
Variant type: single nucleotide variant.
Coding change: c.6823G>A on transcript NM_000540.3 (MANE Select); coding-DNA position 6823, G replaced by A.
Protein change: p.Val2275Met; replaces valine 2275 with methionine.
Molecular consequence: missense variant.
Genome position (GRCh38, 1-based): chr19:38,496,886, G>A. VCF-style: chr19-38496886-G-A. GRCh37 (hg19) VCF-style: chr19-38987526-G-A.
Other names: c.6823G>A, p.Val2275Met (NM_001042723.2); short protein forms V2275M.
Identifiers: ClinVar variation 870623 (VCV000870623.5), dbSNP rs756847750, ClinGen allele CA068790.